The following is an entry in ClinVar:

NM_000875.5(IGF1R):c.2795A>G (p.Asn932Ser)

Gene: IGF1R (insulin like growth factor 1 receptor; plus strand). Cytogenetic location: 15q26.3.
Variant type: single nucleotide variant.
Coding change: c.2795A>G on transcript NM_000875.5 (MANE Select); coding-DNA position 2795, A replaced by G.
Protein change: p.Asn932Ser; replaces asparagine 932 with serine.
Molecular consequence: missense variant.
Genome position (GRCh38, 1-based): chr15:98,929,570, A>G. VCF-style: chr15-98929570-A-G. GRCh37 (hg19) VCF-style: chr15-99472799-A-G.
Other names: c.2792A>G, p.Asn931Ser (NM_001291858.2); c.2795A>G (NM_000875.3); short protein forms N932S, N931S.
Identifiers: ClinVar variation 2067056 (VCV002067056.5), dbSNP rs898510509, ClinGen allele CA275388313.

ClinVar aggregate classification (germline): Uncertain significance. Review status: criteria provided, multiple submitters, no conflicts (2 of 4 stars). 2 submissions from 2 submitters: Uncertain significance (2). Last evaluated 2025-11-13.

Conditions:
Inborn genetic diseases. Identifiers: MedGen C0950123, MeSH D030342.

Allele frequency attached by ClinVar (database versions not stated): gnomAD exomes 0.00001; gnomAD 0.00003; TOPMed 0.00003.
gnomAD v4.1: 23 of 1,613,576 alleles (0.0014%); highest among the groups gnomAD compares: Admixed American, 0.022%; no homozygotes.

Submissions (2):

Labcorp Genetics (formerly Invitae), Labcorp
Classification: Uncertain significance. Last evaluated: 2025-11-13. Review status: criteria provided, single submitter. Criteria: Invitae Variant Classification Sherloc (09022015). Collection method: clinical testing. Allele origin: germline.
Comment: This sequence change replaces asparagine, which is neutral and polar, with serine, which is neutral and polar, at codon 932 of the IGF1R protein (p.Asn932Ser). This variant is present in population databases (no rsID available, gnomAD 0.01%). This variant has not been reported in the literature in individuals affected with IGF1R-related conditions. ClinVar contains an entry for this variant (Variation ID: 2067056). Invitae Evidence Modeling of protein sequence and biophysical properties (such as structural, functional, and spatial information, amino acid conservation, physicochemical variation, residue mobility, and thermodynamic stability) indicates that this missense variant is not expected to disrupt IGF1R protein function with a negative predictive value of 80%. In summary, the available evidence is currently insufficient to determine the role of this variant in disease. Therefore, it has been classified as a Variant of Uncertain Significance.

Ambry Genetics
Classification: Uncertain significance for Inborn genetic diseases. Last evaluated: 2024-01-02. Review status: criteria provided, single submitter. Criteria: Ambry Variant Classification Scheme 2023. Collection method: clinical testing. Allele origin: germline.